The following is an entry in ClinVar:

ClinVar aggregate classification (germline): Pathogenic. Review status: criteria provided, multiple submitters, no conflicts (2 of 4 stars). 2 submissions from 2 submitters: Pathogenic (2). Last evaluated 2024-06-19.

Conditions:
Hereditary cancer-predisposing syndrome. Also called: Tumor predisposition; Hereditary Cancer Syndrome; Neoplastic Syndromes, Hereditary; Hereditary neoplastic syndrome. Identifiers: Orphanet 140162, MedGen C0027672, MeSH D009386, MONDO:0015356.
Pheochromocytoma/paraganglioma syndrome 5. Also called: Paragangliomas 5; SDHA-Related Hereditary Paraganglioma-Pheochromocytoma Syndrome. Identifiers: Orphanet 29072, MedGen C3279992, MONDO:0013602, OMIM 614165.

Submissions (2):

Ambry Genetics
Classification: Pathogenic for Hereditary cancer-predisposing syndrome. Last evaluated: 2024-06-19. Review status: criteria provided, single submitter. Criteria: Ambry Variant Classification Scheme 2023. Collection method: clinical testing. Allele origin: germline.
Comment: The c.9_10dupGG pathogenic mutation, located in coding exon 1 of the SDHA gene, results from a duplication of GG at nucleotide position 9, causing a translational frameshift with a predicted alternate stop codon (p.V4Gfs*9). This variant is considered to be rare based on population cohorts in the Genome Aggregation Database (gnomAD). This alteration is expected to result in loss of function by premature protein truncation or nonsense-mediated mRNA decay. As such, this alteration is interpreted as a disease-causing mutation.

Myriad Genetics, Inc.
Classification: Pathogenic for Pheochromocytoma/paraganglioma syndrome 5. Last evaluated: 2024-06-19. Review status: criteria provided, single submitter. Criteria: Myriad Autosomal Dominant, Autosomal Recessive and X-Linked Classification Criteria (2023). Collection method: clinical testing. Allele origin: unknown.
Comment: This variant is considered pathogenic. This variant creates a frameshift predicted to result in premature protein truncation.

NM_004168.4(SDHA):c.9_10dup (p.Val4fs)

Gene: SDHA (succinate dehydrogenase complex flavoprotein subunit A; plus strand). Cytogenetic location: 5p15.33.
Variant type: Duplication.
Coding change: c.9_10dup on transcript NM_004168.4 (MANE Select); coding-DNA positions 9 to 10, 2 bases duplicated (GG; older notation c.9_10dupGG).
Protein change: p.Val4fs; shifts the reading frame from valine 4.
Molecular consequence: frameshift variant.
Genome position (GRCh38, 1-based): chr5:218,364-218,365, GG duplicated; duplicating any 2 consecutive bases within chr5:218,361-218,365 gives the same sequence; the c. name uses the placement nearest the transcript's 3' end. VCF-style (leftmost placement, unchanged base first): chr5-218360-C-CGG. GRCh37 (hg19) VCF-style: chr5-218475-C-CGG.
Other names: c.9_10dup, p.Val4fs (NM_001294332.2, NM_001330758.2); c.9_10dupGG (NM_004168.2); short protein forms V4fs.
Identifiers: ClinVar variation 3254407 (VCV003254407.2), dbSNP rs2126522171.